The following is an entry in ClinVar:

NM_001395414.1(MUC22):c.1771G>A (p.Val591Ile)

Gene: MUC22 (mucin 22; plus strand). Cytogenetic location: 6p21.33.
Variant type: single nucleotide variant.
Coding change: c.1771G>A on transcript NM_001395414.1 (MANE Select); coding-DNA position 1771, G replaced by A.
Protein change: p.Val591Ile; replaces valine 591 with isoleucine.
Molecular consequence: missense variant.
Genome position (GRCh38, 1-based): chr6:31,027,202, G>A. VCF-style: chr6-31027202-G-A. GRCh37 (hg19) VCF-style: chr6-30994979-G-A.
Other names: c.1771G>A, p.Val591Ile (NM_001198815.1); c.1780G>A, p.Val594Ile (NM_001318484.1); short protein forms V591I, V594I.
Identifiers: ClinVar variation 3770441 (VCV003770441.13).

ClinVar aggregate classification (germline): Likely benign (1 of 4 stars; one submission).

gnomAD v4.1: 2,600 of 1,497,826 alleles (0.17%); highest among the groups gnomAD compares: Non-Finnish European, 0.21%; 298 homozygotes.

Submission:

CeGaT Center for Human Genetics Tuebingen
Classification: Likely benign. Last evaluated: 2025-07-01. Review status: criteria provided, single submitter. Criteria: CeGaT Center For Human Genetics Tuebingen Variant Classification Criteria Version 2. Collection method: clinical testing. Allele origin: germline. Affected: yes. Observed: 2 variant alleles.
Comment: MUC22: BP4, BS2